The following is an entry in ClinVar:

ClinVar aggregate classification (germline): Uncertain significance (1 of 4 stars; one submission).

Conditions:
Baller-Gerold syndrome (BGS). Also called: CRANIOSYNOSTOSIS WITH RADIAL DEFECTS. Identifiers: Orphanet 1225, MedGen C0265308, MONDO:0009039, OMIM 218600.

Allele frequency attached by ClinVar (database versions not stated): gnomAD exomes below 0.00001 and 0.00001.
gnomAD v4.1: 14 of 1,602,846 alleles (0.00087%); highest among the groups gnomAD compares: Non-Finnish European, 0.0012%; no homozygotes.

Submission:

Labcorp Genetics (formerly Invitae), Labcorp
Classification: Uncertain significance for Baller-Gerold syndrome. Last evaluated: 2023-09-06. Review status: criteria provided, single submitter. Criteria: Invitae Variant Classification Sherloc (09022015). Collection method: clinical testing. Allele origin: germline.
Comment: In summary, the available evidence is currently insufficient to determine the role of this variant in disease. Therefore, it has been classified as a Variant of Uncertain Significance. Advanced modeling of protein sequence and biophysical properties (such as structural, functional, and spatial information, amino acid conservation, physicochemical variation, residue mobility, and thermodynamic stability) performed at Invitae indicates that this missense variant is expected to disrupt RECQL4 protein function. ClinVar contains an entry for this variant (Variation ID: 944979). This variant has not been reported in the literature in individuals affected with RECQL4-related conditions. This variant is present in population databases (no rsID available, gnomAD 0.001%). This sequence change replaces valine, which is neutral and non-polar, with glycine, which is neutral and non-polar, at codon 786 of the RECQL4 protein (p.Val786Gly).

NM_004260.4(RECQL4):c.2357T>G (p.Val786Gly)

Gene: RECQL4 (RecQ like helicase 4; minus strand). Cytogenetic location: 8q24.3.
Variant type: single nucleotide variant.
Coding change: c.2357T>G on transcript NM_004260.4 (MANE Select); coding-DNA position 2357, T replaced by G.
Protein change: p.Val786Gly; replaces valine 786 with glycine.
Molecular consequence: missense variant.
Genome position (GRCh38, 1-based): chr8:144,513,324, A>C on the plus strand (T>G on the coding strand, the complement: RECQL4 is on the minus strand). VCF-style: chr8-144513324-A-C. GRCh37 (hg19) VCF-style: chr8-145738707-A-C.
Other names: short protein forms V786G.
Identifiers: ClinVar variation 944979 (VCV000944979.6), dbSNP rs990445273, ClinGen allele CA187682451.